The following is an entry in ClinVar:

NM_199355.4(ADAMTS18):c.270G>A (p.Ala90=)

Gene: ADAMTS18 (ADAM metallopeptidase with thrombospondin type 1 motif 18; minus strand). Cytogenetic location: 16q23.1.
Variant type: single nucleotide variant.
Coding change: c.270G>A on transcript NM_199355.4 (MANE Select); coding-DNA position 270, G replaced by A.
Protein change: p.Ala90=; no amino-acid change (alanine 90 retained).
Molecular consequence: synonymous variant. On other transcripts: 5 prime UTR variant (1).
Genome position (GRCh38, 1-based): chr16:77,431,520, C>T on the plus strand (G>A on the coding strand, the complement: ADAMTS18 is on the minus strand). VCF-style: chr16-77431520-C-T. GRCh37 (hg19) VCF-style: chr16-77465417-C-T.
Other names: c.-251G>A (NM_001326358.2); c.270G>A (NM_199355.3).
Identifiers: ClinVar variation 1167605 (VCV001167605.11), dbSNP rs142460481, ClinGen allele CA8181722.

ClinVar aggregate classification (germline): Benign/Likely benign. Review status: criteria provided, multiple submitters, no conflicts (2 of 4 stars). 3 submissions from 3 submitters: Benign (1); Likely benign (2). Last evaluated 2026-01-06.

Conditions:
ADAMTS18-related disorder. Also called: ADAMTS18-related condition.

Allele frequency attached by ClinVar (database versions not stated): 1000 Genomes Project 30x 0.00078; 1000 Genomes Project 0.00080; gnomAD 0.00094 and 0.00098; TOPMed 0.00105; ESP Exome Variant Server 0.00131.
gnomAD v4.1: 264 of 1,614,166 alleles (0.016%); highest among the groups gnomAD compares: African/African-American, 0.33%; no homozygotes.

Submissions (3):

Labcorp Genetics (formerly Invitae), Labcorp
Classification: Benign. Last evaluated: 2026-01-06. Review status: criteria provided, single submitter. Criteria: Invitae Variant Classification Sherloc (09022015). Collection method: clinical testing. Allele origin: germline.

PreventionGenetics, part of Exact Sciences
Classification: Likely benign for ADAMTS18-related condition. Last evaluated: 2025-02-09. Review status: criteria provided, single submitter. Criteria: ACMG Guidelines, 2015. Collection method: clinical testing. Allele origin: germline.
Comment: This variant is classified as likely benign based on ACMG/AMP sequence variant interpretation guidelines (Richards et al. 2015 PMID: 25741868, with internal and published modifications).

Blueprint Genetics
Classification: Likely benign. Last evaluated: 2024-07-10. Review status: criteria provided, single submitter. Criteria: ACMG Guidelines, 2015. Collection method: clinical testing. Allele origin: germline.